The following is an entry in ClinVar:

ClinVar aggregate classification (germline): Likely benign. Review status: criteria provided, multiple submitters, no conflicts (2 of 4 stars). 2 submissions from 2 submitters: Likely benign (2). Last evaluated 2024-08-08.

Submissions (2):

Blueprint Genetics
Classification: Likely benign. Last evaluated: 2024-08-08. Review status: criteria provided, single submitter. Criteria: ACMG Guidelines, 2015. Collection method: clinical testing. Allele origin: germline.

GeneDx
Classification: Likely benign. Last evaluated: 2023-01-06. Review status: criteria provided, single submitter. Criteria: GeneDx Variant Classification Process June 2021. Collection method: clinical testing. Allele origin: germline. Affected: yes.
Comment: See Variant Classification Assertion Criteria.

NM_014704.4(CEP104):c.-14-9TA[3]

Gene: CEP104 (centrosomal protein 104; minus strand). Cytogenetic location: 1p36.32.
Variant type: Microsatellite.
Coding change: c.-14-9TA[3] on transcript NM_014704.4 (MANE Select); three copies in a row of the 2-base unit TA starting at c.-14-9; the reference has two copies in a row; one copy, 2 bases duplicated.
Molecular consequence: intron variant.
Genome position (GRCh38, 1-based): chr1:3,852,427-3,852,428, TA duplicated on the plus strand (TA on the coding strand, the reverse complement: CEP104 is on the minus strand); duplicating any 2 consecutive bases within chr1:3,852,427-3,852,430 gives the same sequence; the position shown is the placement nearest the transcript's 3' end. VCF-style (leftmost placement, unchanged base first): chr1-3852426-T-TTA. GRCh37 (hg19) VCF-style: chr1-3768990-T-TTA.
Identifiers: ClinVar variation 1189142 (VCV001189142.5), dbSNP rs140077679, ClinGen allele CA552097.